The following is an entry in ClinVar:

ClinVar aggregate classification (germline): Pathogenic/Likely pathogenic. Review status: criteria provided, multiple submitters, no conflicts (2 of 4 stars). 2 submissions from 2 submitters: Pathogenic (1); Likely pathogenic (1). Last evaluated 2025-09-01.

Conditions:
Joubert syndrome. Also called: Familial aplasia of the vermis; JOUBERT-BOLTSHAUSER SYNDROME. Identifiers: Orphanet 475, MedGen C5979921, MONDO:0018772.
Meckel-Gruber syndrome. Also called: Dysencephalia splachnocystica; DYSENCEPHALIA SPLANCHNOCYSTICA; GRUBER SYNDROME. Identifiers: Orphanet 564, MedGen C0265215, MONDO:0018921.
TMEM67-related disorder. Also called: TMEM67-related condition; TMEM67-related disorders. Identifiers: MedGen CN239423.

Submissions (2):

Labcorp Genetics (formerly Invitae), Labcorp
Classification: Pathogenic for Joubert syndrome; Meckel-Gruber syndrome. Last evaluated: 2025-09-01. Review status: criteria provided, single submitter. Criteria: Invitae Variant Classification Sherloc (09022015). Collection method: clinical testing. Allele origin: germline.
Comment: This sequence change affects an acceptor splice site in intron 1 of the TMEM67 gene. It is expected to disrupt RNA splicing. Variants that disrupt the donor or acceptor splice site typically lead to a loss of protein function (PMID: 16199547), and loss-of-function variants in TMEM67 are known to be pathogenic (PMID: 20232449, 23559409). This variant is not present in population databases (gnomAD no frequency). Disruption of this splice site has been observed in individual(s) with Joubert syndrome and related disorders (PMID: 19540516). In at least one individual the data is consistent with being in trans (on the opposite chromosome) from a pathogenic variant. Algorithms developed to predict the effect of sequence changes on RNA splicing suggest that this variant may disrupt the consensus splice site. For these reasons, this variant has been classified as Pathogenic.

PreventionGenetics, part of Exact Sciences
Classification: Likely pathogenic for TMEM67-related condition. Last evaluated: 2024-12-18. Review status: criteria provided, single submitter. Criteria: ACMG Guidelines, 2015. Collection method: clinical testing. Allele origin: germline.
Comment: The TMEM67 c.224-2A>G variant is predicted to disrupt the AG splice acceptor site and interfere with normal splicing. To our knowledge, this variant has not been reported in the literature or in a large population database (gnomAD), indicating this variant is rare. Variants that disrupt the consensus splice acceptor site in TMEM67 are expected to be pathogenic. This variant is interpreted as likely pathogenic.

Literature cited by the submitters: PubMed 16199547 (cited by Labcorp Genetics (formerly Invitae), Labcorp); PubMed 20232449 (cited by Labcorp Genetics (formerly Invitae), Labcorp); PubMed 23559409 (cited by Labcorp Genetics (formerly Invitae), Labcorp); PubMed 19540516 (cited by Labcorp Genetics (formerly Invitae), Labcorp).

NM_153704.6(TMEM67):c.224-2A>G

Gene: TMEM67 (transmembrane protein 67; plus strand). Cytogenetic location: 8q22.1.
Variant type: single nucleotide variant.
Coding change: c.224-2A>G on transcript NM_153704.6 (MANE Select); the canonical splice acceptor site of the intron before coding-DNA position 224, A replaced by G.
Molecular consequence: splice acceptor variant. On other transcripts: intron variant (1).
Genome position (GRCh38, 1-based): chr8:93,755,776, A>G. VCF-style: chr8-93755776-A-G. GRCh37 (hg19) VCF-style: chr8-94768004-A-G.
Other names: c.-62+639A>G (NM_001142301.1); c.224-2A>G (NM_153704.5).
Identifiers: ClinVar variation 4788936 (VCV004788936.2).